The following is an entry in ClinVar:

ClinVar aggregate classification (germline): Likely benign. Review status: criteria provided, multiple submitters, no conflicts (2 of 4 stars). 3 submissions from 3 submitters: Likely benign (3). Last evaluated 2025-03-27.

Allele frequency attached by ClinVar (database versions not stated): gnomAD exomes 0.00003 and 0.00005; ExAC 0.00004; gnomAD 0.00004; TOPMed 0.00005; ESP Exome Variant Server 0.00008; 1000 Genomes Project 30x 0.00016; 1000 Genomes Project 0.00020.
gnomAD v4.1: 84 of 1,613,504 alleles (0.0052%); highest among the groups gnomAD compares: Non-Finnish European, 0.0066%; no homozygotes.

Submissions (3):

Labcorp Genetics (formerly Invitae), Labcorp
Classification: Likely benign. Last evaluated: 2025-03-27. Review status: criteria provided, single submitter. Criteria: Invitae Variant Classification Sherloc (09022015). Collection method: clinical testing. Allele origin: germline.

Blueprint Genetics
Classification: Likely benign. Last evaluated: 2024-08-26. Review status: criteria provided, single submitter. Criteria: ACMG Guidelines, 2015. Collection method: clinical testing. Allele origin: germline.

CeGaT Center for Human Genetics Tuebingen
Classification: Likely benign. Last evaluated: 2023-10-01. Review status: criteria provided, single submitter. Criteria: CeGaT Center For Human Genetics Tuebingen Variant Classification Criteria Version 2. Collection method: clinical testing. Allele origin: germline. Affected: yes. Observed: 1 variant allele.
Comment: TUBGCP6: BP4, BP7

NM_020461.4(TUBGCP6):c.5235C>G (p.Leu1745=)

Gene: TUBGCP6 (tubulin gamma complex component 6; minus strand). Cytogenetic location: 22q13.33.
Variant type: single nucleotide variant.
Coding change: c.5235C>G on transcript NM_020461.4 (MANE Select); coding-DNA position 5235, C replaced by G.
Protein change: p.Leu1745=; no amino-acid change (leucine 1745 retained).
Molecular consequence: synonymous variant.
Genome position (GRCh38, 1-based): chr22:50,218,051, G>C on the plus strand (C>G on the coding strand, the complement: TUBGCP6 is on the minus strand). VCF-style: chr22-50218051-G-C. GRCh37 (hg19) VCF-style: chr22-50656480-G-C.
Identifiers: ClinVar variation 1112633 (VCV001112633.33), dbSNP rs142869643, ClinGen allele CA10307115.